The following is an entry in ClinVar:

ClinVar aggregate classification (germline): Uncertain significance. Review status: criteria provided, multiple submitters, no conflicts (2 of 4 stars). 2 submissions from 2 submitters: Uncertain significance (2). Last evaluated 2022-05-29.

Conditions:
Congenital myasthenic syndrome 9. Also called: Myasthenic syndrome, congenital, 9, associated with acetylcholine receptor deficiency. Identifiers: Orphanet 590, MedGen C4225368, MONDO:0014587, OMIM 616325.
Fetal akinesia deformation sequence 1 (FADS1). Also called: Fetal akinesia sequence; Pena-Shokeir syndrome type I. Identifiers: Orphanet 994, MedGen C1276035, MONDO:0100101, OMIM 208150, HP:0001989.
Inborn genetic diseases. Identifiers: MedGen C0950123, MeSH D030342.

Allele frequency attached by ClinVar (database versions not stated): gnomAD 0.00001 and 0.00002; TOPMed 0.00002; gnomAD exomes 0.00004; ExAC 0.00006; 1000 Genomes Project 30x 0.00016; 1000 Genomes Project 0.00020.
gnomAD v4.1: 84 of 1,613,706 alleles (0.0052%); highest among the groups gnomAD compares: South Asian, 0.0088%; no homozygotes.

Submissions (2):

Labcorp Genetics (formerly Invitae), Labcorp
Classification: Uncertain significance for Congenital myasthenic syndrome 9; Fetal akinesia deformation sequence 1. Last evaluated: 2022-05-29. Review status: criteria provided, single submitter. Criteria: Invitae Variant Classification Sherloc (09022015). Collection method: clinical testing. Allele origin: germline.
Comment: This sequence change replaces arginine, which is basic and polar, with glutamine, which is neutral and polar, at codon 264 of the MUSK protein (p.Arg264Gln). This variant is present in population databases (rs193019632, gnomAD 0.01%). This variant has not been reported in the literature in individuals affected with MUSK-related conditions. ClinVar contains an entry for this variant (Variation ID: 1026231). Advanced modeling of protein sequence and biophysical properties (such as structural, functional, and spatial information, amino acid conservation, physicochemical variation, residue mobility, and thermodynamic stability) performed at Invitae indicates that this missense variant is not expected to disrupt MUSK protein function. In summary, the available evidence is currently insufficient to determine the role of this variant in disease. Therefore, it has been classified as a Variant of Uncertain Significance.

Ambry Genetics
Classification: Uncertain significance for Inborn genetic diseases. Last evaluated: 2021-12-06. Review status: criteria provided, single submitter. Criteria: Ambry Variant Classification Scheme 2023. Collection method: clinical testing. Allele origin: germline.

NM_005592.4(MUSK):c.791G>A (p.Arg264Gln)

Gene: MUSK (muscle associated receptor tyrosine kinase; plus strand). Cytogenetic location: 9q31.3.
Variant type: single nucleotide variant.
Coding change: c.791G>A on transcript NM_005592.4 (MANE Select); coding-DNA position 791, G replaced by A.
Protein change: p.Arg264Gln; replaces arginine 264 with glutamine.
Molecular consequence: missense variant. On other transcripts: 5 prime UTR variant (1).
Genome position (GRCh38, 1-based): chr9:110,747,678, G>A. VCF-style: chr9-110747678-G-A. GRCh37 (hg19) VCF-style: chr9-113509958-G-A.
Other names: c.821G>A, p.Arg274Gln (NM_001166280.2); c.791G>A, p.Arg264Gln (NM_001166281.2); c.-446G>A (NM_001369398.1); c.791G>A (NM_005592.3); short protein forms R264Q, R274Q.
Identifiers: ClinVar variation 1026231 (VCV001026231.7), dbSNP rs193019632, ClinGen allele CA5184186.